The following is an entry in ClinVar:

ClinVar aggregate classification (germline): Benign/Likely benign. Review status: criteria provided, multiple submitters, no conflicts (2 of 4 stars). 3 submissions from 3 submitters: Benign (1); Likely benign (2). Last evaluated 2026-05-20.

Conditions:
Neurofibromatosis, type 1 (NF1). Also called: NEUROFIBROMATOSIS, TYPE I, SOMATIC; Peripheral type neurofibromatosis; VON RECKLINGHAUSEN DISEASE; Neurofibromatosis, type I. Identifiers: Orphanet 636, MedGen C0027831, MONDO:0018975, OMIM 162200. Disease mechanism: loss of function.
Hereditary cancer-predisposing syndrome. Also called: Neoplastic Syndromes, Hereditary; Tumor predisposition; Hereditary Cancer Syndrome; Hereditary neoplastic syndrome. Identifiers: Orphanet 140162, MedGen C0027672, MeSH D009386, MONDO:0015356.
Cardiovascular phenotype. Identifiers: MedGen CN230736.

Submissions (3):

Myriad Genetics, Inc.
Classification: Benign for Neurofibromatosis, type 1. Last evaluated: 2026-05-20. Review status: criteria provided, single submitter. Criteria: Myriad Autosomal Dominant, Autosomal Recessive and X-Linked Classification Criteria (2023). Collection method: clinical testing. Allele origin: unknown.
Comment: This variant is considered benign. This variant is a silent/synonymous amino acid change and it is not expected to impact splicing.

Ambry Genetics
Classification: Likely benign for Cardiovascular phenotype; Hereditary cancer-predisposing syndrome. Last evaluated: 2024-08-12. Review status: criteria provided, single submitter. Criteria: Ambry Variant Classification Scheme 2023. Collection method: clinical testing. Allele origin: germline.

Labcorp Genetics (formerly Invitae), Labcorp
Classification: Likely benign for Neurofibromatosis, type 1. Last evaluated: 2024-08-12. Review status: criteria provided, single submitter. Criteria: Invitae Variant Classification Sherloc (09022015). Collection method: clinical testing. Allele origin: germline.

NM_001042492.3(NF1):c.5817T>C (p.Ile1939=)

Gene: NF1 (neurofibromin 1; plus strand). Cytogenetic location: 17q11.2.
Variant type: single nucleotide variant.
Coding change: c.5817T>C on transcript NM_001042492.3 (MANE Select); coding-DNA position 5817, T replaced by C.
Protein change: p.Ile1939=; no amino-acid change (isoleucine 1939 retained).
Molecular consequence: synonymous variant.
Genome position (GRCh38, 1-based): chr17:31,334,842, T>C. VCF-style: chr17-31334842-T-C. GRCh37 (hg19) VCF-style: chr17-29661860-T-C.
Other names: c.5754T>C, p.Ile1918= (NM_000267.4).
Identifiers: ClinVar variation 3404704 (VCV003404704.4).